The following is an entry in ClinVar:

ClinVar aggregate classification (germline): Likely pathogenic (1 of 4 stars; one submission).

Conditions:
Anterior segment dysgenesis 8 (ASGD8). Identifiers: Orphanet 519388, MedGen C4310622, MONDO:0015017, OMIM 617319.

Submission:

Dasa
Classification: Likely pathogenic for Anterior segment dysgenesis 8. Last evaluated: 2026-02-06. Review status: criteria provided, single submitter. Criteria: DASA Assertion Criteria. Collection method: clinical testing. Allele origin: germline.
Comment: NM_015692.5(CPAMD8):c.1654_1655del (p.Ser552Hisfs*43) is a frameshift variant in CPAMD8 predicted to alter the reading frame and introduce a premature termination codon and is predicted to result in an absent or altered protein product. Loss of function is an established disease mechanism for CPAMD8-associated disorders. Also, this variant is rare in population databases. Based on the currently available evidence, this variant is classified as likely pathogenic.

NM_015692.5(CPAMD8):c.1654_1655del (p.Ser552fs)

Gene: CPAMD8 (C3 and PZP like alpha-2-macroglobulin domain containing 8; minus strand). Cytogenetic location: 19p13.11.
Variant type: Deletion.
Coding change: c.1654_1655del on transcript NM_015692.5 (MANE Select); coding-DNA positions 1654 to 1655, 2 bases deleted (AG; older notation c.1654_1655delAG).
Protein change: p.Ser552fs; shifts the reading frame from serine 552.
Molecular consequence: frameshift variant.
Genome position (GRCh38, 1-based): chr19:16,977,471-16,977,472, CT deleted on the plus strand (AG on the coding strand, the reverse complement: CPAMD8 is on the minus strand). VCF-style (leftmost placement, unchanged base first): chr19-16977470-GCT-G. GRCh37 (hg19) VCF-style: chr19-17088280-GCT-G.
Other names: short protein forms S552fs.
Identifiers: ClinVar variation 4880721 (VCV004880721.2).